The following is an entry in ClinVar:

NM_022915.5(MRPL44):c.883G>A (p.Glu295Lys)

Gene: MRPL44 (mitochondrial ribosomal protein L44; plus strand). Cytogenetic location: 2q36.1.
Variant type: single nucleotide variant.
Coding change: c.883G>A on transcript NM_022915.5 (MANE Select); coding-DNA position 883, G replaced by A.
Protein change: p.Glu295Lys; replaces glutamic acid 295 with lysine.
Molecular consequence: missense variant.
Genome position (GRCh38, 1-based): chr2:223,966,918, G>A. VCF-style: chr2-223966918-G-A. GRCh37 (hg19) VCF-style: chr2-224831635-G-A.
Other names: short protein forms E295K.
Identifiers: ClinVar variation 1393596 (VCV001393596.6), dbSNP rs754431027, ClinGen allele CA2139146.

ClinVar aggregate classification (germline): Uncertain significance (1 of 4 stars; one submission).

Allele frequency attached by ClinVar (database versions not stated): gnomAD exomes below 0.00001 and 0.00001; ExAC 0.00002.

Submission:

Labcorp Genetics (formerly Invitae), Labcorp
Classification: Uncertain significance. Last evaluated: 2024-06-10. Review status: criteria provided, single submitter. Criteria: Invitae Variant Classification Sherloc (09022015). Collection method: clinical testing. Allele origin: germline.
Comment: This sequence change replaces glutamic acid, which is acidic and polar, with lysine, which is basic and polar, at codon 295 of the MRPL44 protein (p.Glu295Lys). This variant is present in population databases (rs754431027, gnomAD 0.002%). This variant has not been reported in the literature in individuals affected with MRPL44-related conditions. ClinVar contains an entry for this variant (Variation ID: 1393596). Advanced modeling of protein sequence and biophysical properties (such as structural, functional, and spatial information, amino acid conservation, physicochemical variation, residue mobility, and thermodynamic stability) has been performed at Invitae for this missense variant, however the output from this modeling did not meet the statistical confidence thresholds required to predict the impact of this variant on MRPL44 protein function. In summary, the available evidence is currently insufficient to determine the role of this variant in disease. Therefore, it has been classified as a Variant of Uncertain Significance.